The following is an entry in ClinVar:

ClinVar aggregate classification (germline): Uncertain significance (1 of 4 stars; one submission).

Conditions:
Norman-Roberts syndrome (LIS2). Also called: Lissencephaly 2 (Norman-Roberts type). Identifiers: Orphanet 89844, MedGen C0796089, MONDO:0009760, OMIM 257320.
Familial temporal lobe epilepsy 7. Identifiers: Orphanet 101046, MedGen C4225327, MONDO:0014639, OMIM 616436.

Allele frequency attached by ClinVar (database versions not stated): gnomAD 0.00001; TOPMed 0.00001.

Submission:

Labcorp Genetics (formerly Invitae), Labcorp
Classification: Uncertain significance for Familial temporal lobe epilepsy 7; Norman-Roberts syndrome. Last evaluated: 2025-03-27. Review status: criteria provided, single submitter. Criteria: Invitae Variant Classification Sherloc (09022015). Collection method: clinical testing. Allele origin: germline.
Comment: This sequence change replaces methionine, which is neutral and non-polar, with lysine, which is basic and polar, at codon 1036 of the RELN protein (p.Met1036Lys). This variant is not present in population databases (gnomAD no frequency). This variant has not been reported in the literature in individuals affected with RELN-related conditions. ClinVar contains an entry for this variant (Variation ID: 1442430). Invitae Evidence Modeling of protein sequence and biophysical properties (such as structural, functional, and spatial information, amino acid conservation, physicochemical variation, residue mobility, and thermodynamic stability) indicates that this missense variant is not expected to disrupt RELN protein function with a negative predictive value of 80%. In summary, the available evidence is currently insufficient to determine the role of this variant in disease. Therefore, it has been classified as a Variant of Uncertain Significance.

NM_005045.4(RELN):c.3107T>A (p.Met1036Lys)

Gene: RELN (reelin; minus strand). Cytogenetic location: 7q22.1.
Variant type: single nucleotide variant.
Coding change: c.3107T>A on transcript NM_005045.4 (MANE Select); coding-DNA position 3107, T replaced by A.
Protein change: p.Met1036Lys; replaces methionine 1036 with lysine.
Molecular consequence: missense variant.
Genome position (GRCh38, 1-based): chr7:103,604,385, A>T on the plus strand (T>A on the coding strand, the complement: RELN is on the minus strand). VCF-style: chr7-103604385-A-T. GRCh37 (hg19) VCF-style: chr7-103244832-A-T.
Other names: c.3107T>A, p.Met1036Lys (NM_173054.3); short protein forms M1036K.
Identifiers: ClinVar variation 1442430 (VCV001442430.8), dbSNP rs1831762757, ClinGen allele CA368763714.